The following is an entry in ClinVar:

NM_001985.3(ETFB):c.563A>G (p.Asn188Ser)

Gene: ETFB (electron transfer flavoprotein subunit beta; minus strand). Cytogenetic location: 19q13.41.
Variant type: single nucleotide variant.
Coding change: c.563A>G on transcript NM_001985.3 (MANE Select); coding-DNA position 563, A replaced by G.
Protein change: p.Asn188Ser; replaces asparagine 188 with serine.
Molecular consequence: missense variant.
Genome position (GRCh38, 1-based): chr19:51,346,934, T>C on the plus strand (A>G on the coding strand, the complement: ETFB is on the minus strand). VCF-style: chr19-51346934-T-C. GRCh37 (hg19) VCF-style: chr19-51850188-T-C.
Other names: c.836A>G, p.Asn279Ser (NM_001014763.1); short protein forms N188S, N279S.
Identifiers: ClinVar variation 2650370 (VCV002650370.24), dbSNP rs1167963817, ClinGen allele CA407081004.

ClinVar aggregate classification (germline): Uncertain significance (1 of 4 stars; one submission).

Allele frequency attached by ClinVar (database versions not stated): gnomAD exomes below 0.00001; TOPMed below 0.00001.

Submission:

CeGaT Center for Human Genetics Tuebingen
Classification: Uncertain significance. Last evaluated: 2023-09-01. Review status: criteria provided, single submitter. Criteria: CeGaT Center For Human Genetics Tuebingen Variant Classification Criteria Version 2. Collection method: clinical testing. Allele origin: germline. Affected: yes. Observed: 1 variant allele.
Comment: ETFB: PM2